The following is an entry in ClinVar:

ClinVar aggregate classification (germline): Conflicting classifications of pathogenicity. Review status: criteria provided, conflicting classifications (1 of 4 stars). 3 submissions from 3 submitters: Uncertain significance (2); Likely benign (1). Last evaluated 2023-03-23.

Conditions:
Hereditary breast ovarian cancer syndrome. Also called: Hereditary breast and ovarian cancer syndrome (HBOC); Hereditary breast and ovarian cancer syndrome; Breast and ovarian cancer; Hereditary breast and/or ovarian cancer syndrome; Hereditary breast and ovarian cancer; BRCA1- and BRCA2-Associated Hereditary Breast and Ovarian Cancer. Identifiers: Orphanet 145, MedGen C0677776, MeSH D061325, MONDO:0003582. Disease mechanism: loss of function.
Hereditary cancer-predisposing syndrome. Also called: Neoplastic Syndromes, Hereditary; Hereditary Cancer Syndrome; Hereditary neoplastic syndrome; Tumor predisposition. Identifiers: Orphanet 140162, MedGen C0027672, MeSH D009386, MONDO:0015356.

Submissions (3):

University of Washington Department of Laboratory Medicine, University of Washington
Classification: Likely benign for Hereditary cancer-predisposing syndrome. Last evaluated: 2023-03-23. Review status: criteria provided, single submitter. Criteria: Dines et al. (Genet Med. 2020). Collection method: curation. Allele origin: germline.
Comment: Missense variant in a coldspot region where missense variants are very unlikely to be pathogenic (PMID:31911673).

BRCA2 exon 11 coldspot. Reclassification based on statistical prior probability.

Ambry Genetics
Classification: Uncertain significance for Hereditary cancer-predisposing syndrome. Last evaluated: 2020-09-03. Review status: criteria provided, single submitter. Criteria: Ambry Variant Classification Scheme 2023. Collection method: clinical testing. Allele origin: germline.
Comment: The p.C2117W variant (also known as c.6351T>G), located in coding exon 10 of the BRCA2 gene, results from a T to G substitution at nucleotide position 6351. The cysteine at codon 2117 is replaced by tryptophan, an amino acid with highly dissimilar properties. This amino acid position is poorly conserved in available vertebrate species. In addition, this alteration is predicted to be tolerated by in silico analysis. Since supporting evidence is limited at this time, the clinical significance of this alteration remains unclear.

Labcorp Genetics (formerly Invitae), Labcorp
Classification: Uncertain significance for Hereditary breast ovarian cancer syndrome. Last evaluated: 2017-06-07. Review status: criteria provided, single submitter. Criteria: Invitae Variant Classification Sherloc (09022015). Collection method: clinical testing. Allele origin: germline.
Comment: In summary, this variant has uncertain impact on BRCA2 function. The available evidence is currently insufficient to determine its role in disease. Therefore, it has been classified as a Variant of Uncertain Significance. Algorithms developed to predict the effect of missense changes on protein structure and function do not agree on the potential impact of this missense change (SIFT: "Tolerated"; PolyPhen-2: "Possibly Damaging"; Align-GVGD: "Class C0"). This variant has not been reported in the literature in individuals with a BRCA2-related disease. This variant is not present in population databases (ExAC no frequency). This sequence change replaces cysteine with tryptophan at codon 2117 of the BRCA2 protein (p.Cys2117Trp). The cysteine residue is weakly conserved and there is a large physicochemical difference between cysteine and tryptophan.

NM_000059.4(BRCA2):c.6351T>G (p.Cys2117Trp)

Gene: BRCA2 (BRCA2 DNA repair associated; plus strand). Cytogenetic location: 13q13.1.
Variant type: single nucleotide variant.
Coding change: c.6351T>G on transcript NM_000059.4 (MANE Select); coding-DNA position 6351, T replaced by G.
Protein change: p.Cys2117Trp; replaces cysteine 2117 with tryptophan.
Molecular consequence: missense variant.
Genome position (GRCh38, 1-based): chr13:32,340,706, T>G. VCF-style: chr13-32340706-T-G. GRCh37 (hg19) VCF-style: chr13-32914843-T-G.
Other names: short protein forms C2117W.
Identifiers: ClinVar variation 462406 (VCV000462406.12), dbSNP rs876659368, ClinGen allele CA387789127.